The following is an entry in ClinVar:

NM_017882.3(CLN6):c.547A>G (p.Ile183Val)

Gene: CLN6 (CLN6 transmembrane ER protein; minus strand). Cytogenetic location: 15q23.
Variant type: single nucleotide variant.
Coding change: c.547A>G on transcript NM_017882.3 (MANE Select); coding-DNA position 547, A replaced by G.
Protein change: p.Ile183Val; replaces isoleucine 183 with valine.
Molecular consequence: missense variant.
Genome position (GRCh38, 1-based): chr15:68,209,755, T>C on the plus strand (A>G on the coding strand, the complement: CLN6 is on the minus strand). VCF-style: chr15-68209755-T-C. GRCh37 (hg19) VCF-style: chr15-68502093-T-C.
Other names: short protein forms I183V.
Identifiers: ClinVar variation 938443 (VCV000938443.8), dbSNP rs766500060, ClinGen allele CA7630537.

ClinVar aggregate classification (germline): Uncertain significance. Review status: criteria provided, multiple submitters, no conflicts (2 of 4 stars). 2 submissions from 2 submitters: Uncertain significance (2). Last evaluated 2021-08-24.

Conditions:
Inborn genetic diseases. Identifiers: MedGen C0950123, MeSH D030342.
Neuronal ceroid lipofuscinosis. Also called: Neuronal Ceroid Lipofuscinoses. Identifiers: Orphanet 216, Orphanet 79263, MedGen C0027877, MONDO:0016295. Disease mechanism: loss of function.

Allele frequency attached by ClinVar (database versions not stated): gnomAD exomes 0.00001; ExAC 0.00002; TOPMed 0.00002.

Submissions (2):

Labcorp Genetics (formerly Invitae), Labcorp
Classification: Uncertain significance for Neuronal ceroid lipofuscinosis. Last evaluated: 2021-08-24. Review status: criteria provided, single submitter. Criteria: Invitae Variant Classification Sherloc (09022015). Collection method: clinical testing. Allele origin: germline.
Comment: This sequence change replaces isoleucine with valine at codon 183 of the CLN6 protein (p.Ile183Val). The isoleucine residue is moderately conserved and there is a small physicochemical difference between isoleucine and valine. This variant is present in population databases (rs766500060, ExAC 0.009%). This variant has not been reported in the literature in individuals affected with CLN6-related conditions. Algorithms developed to predict the effect of missense changes on protein structure and function output the following: SIFT: "Tolerated"; PolyPhen-2: "Benign"; Align-GVGD: "Class C0". The valine amino acid residue is found in multiple mammalian species, which suggests that this missense change does not adversely affect protein function. Algorithms developed to predict the effect of sequence changes on RNA splicing suggest that this variant may create or strengthen a splice site. In summary, the available evidence is currently insufficient to determine the role of this variant in disease. Therefore, it has been classified as a Variant of Uncertain Significance.

Ambry Genetics
Classification: Uncertain significance for Inborn genetic diseases. Last evaluated: 2019-09-27. Review status: criteria provided, single submitter. Criteria: Ambry Variant Classification Scheme 2023. Collection method: clinical testing. Allele origin: germline.
Comment: The p.I183V variant (also known as c.547A>G), located in coding exon 6 of the CLN6 gene, results from an A to G substitution at nucleotide position 547. The isoleucine at codon 183 is replaced by valine, an amino acid with highly similar properties. This amino acid position is not well conserved in available vertebrate species, and valine is the reference amino acid in other vertebrate species. In addition, this alteration is predicted to be tolerated by in silico analysis. Since supporting evidence is limited at this time, the clinical significance of this alteration remains unclear.